The following is an entry in ClinVar:

ClinVar aggregate classification (germline): Pathogenic (1 of 4 stars; one submission).

Conditions:
Familial adenomatous polyposis 4 (FAP4). Also called: MSH3-related attenuated familial adenomatous polyposis. Identifiers: Orphanet 480536, MedGen C4310719, MONDO:0044300, OMIM 617100.

Submission:

Myriad Genetics, Inc.
Classification: Pathogenic for Familial adenomatous polyposis 4. Last evaluated: 2023-08-29. Review status: criteria provided, single submitter. Criteria: Myriad Autosomal Dominant, Autosomal Recessive and X-Linked Classification Criteria (2023). Collection method: clinical testing. Allele origin: unknown.
Comment: This variant is considered pathogenic. This variant creates a termination codon and is predicted to result in premature protein truncation.

NM_002439.5(MSH3):c.781G>T (p.Glu261Ter)

Gene: MSH3 (mutS homolog 3; plus strand). Cytogenetic location: 5q14.1.
Variant type: single nucleotide variant.
Coding change: c.781G>T on transcript NM_002439.5 (MANE Select); coding-DNA position 781, G replaced by T.
Protein change: p.Glu261Ter; replaces glutamic acid 261 with a stop codon.
Molecular consequence: nonsense.
Genome position (GRCh38, 1-based): chr5:80,670,298, G>T. VCF-style: chr5-80670298-G-T. GRCh37 (hg19) VCF-style: chr5-79966117-G-T.
Other names: short protein forms E261*.
Identifiers: ClinVar variation 2673499 (VCV002673499.1), dbSNP rs773879116, ClinGen allele CA360267012.